The following is an entry in ClinVar:

ClinVar aggregate classification (germline): Uncertain significance (1 of 4 stars; one submission).

Conditions:
Hereditary cancer-predisposing syndrome. Also called: Tumor predisposition; Neoplastic Syndromes, Hereditary; Hereditary Cancer Syndrome; Hereditary neoplastic syndrome. Identifiers: Orphanet 140162, MedGen C0027672, MeSH D009386, MONDO:0015356.

Submission:

Ambry Genetics
Classification: Uncertain significance for Hereditary cancer-predisposing syndrome. Last evaluated: 2024-09-13. Review status: criteria provided, single submitter. Criteria: Ambry Variant Classification Scheme 2023. Collection method: clinical testing. Allele origin: germline.
Comment: The p.F619Y variant (also known as c.1856T>A), located in coding exon 6 of the BLM gene, results from a T to A substitution at nucleotide position 1856. The phenylalanine at codon 619 is replaced by tyrosine, an amino acid with highly similar properties. This amino acid position is conserved. In addition, this alteration is predicted to be tolerated by in silico analysis. Based on the available evidence, the clinical significance of this variant remains unclear.

NM_000057.4(BLM):c.1856T>A (p.Phe619Tyr)

Gene: BLM (BLM RecQ like helicase; plus strand). Cytogenetic location: 15q26.1.
Variant type: single nucleotide variant.
Coding change: c.1856T>A on transcript NM_000057.4 (MANE Select); coding-DNA position 1856, T replaced by A.
Protein change: p.Phe619Tyr; replaces phenylalanine 619 with tyrosine.
Molecular consequence: missense variant.
Genome position (GRCh38, 1-based): chr15:90,761,229, T>A. VCF-style: chr15-90761229-T-A. GRCh37 (hg19) VCF-style: chr15-91304459-T-A.
Other names: c.1856T>A, p.Phe619Tyr (NM_001287246.2, NM_001287247.2); c.731T>A, p.Phe244Tyr (NM_001287248.2); short protein forms F244Y, F619Y.
Identifiers: ClinVar variation 3480854 (VCV003480854.1).